The following is an entry in ClinVar:

ClinVar aggregate classification (germline): Benign/Likely benign. Review status: criteria provided, multiple submitters, no conflicts (2 of 4 stars). 3 submissions from 3 submitters: Benign (1); Likely benign (2). Last evaluated 2025-04-18.

Conditions:
Fanconi anemia complementation group J. Also called: BRIP1-Related Fanconi Anemia. Identifiers: Orphanet 84, MedGen C1836860, MONDO:0012187, OMIM 609054.
Familial cancer of breast. Also called: Hereditary breast cancer; BREAST CANCER, FAMILIAL; hereditary breast carcinoma. Identifiers: Orphanet 227535, MedGen C0346153, MONDO:0016419, OMIM 114480. Disease mechanism: loss of function.
Hereditary cancer-predisposing syndrome. Also called: Tumor predisposition; Neoplastic Syndromes, Hereditary; Hereditary Cancer Syndrome; Hereditary neoplastic syndrome. Identifiers: Orphanet 140162, MedGen C0027672, MeSH D009386, MONDO:0015356.

Submissions (3):

Labcorp Genetics (formerly Invitae), Labcorp
Classification: Likely benign for Familial cancer of breast; Fanconi anemia complementation group J. Last evaluated: 2025-04-18. Review status: criteria provided, single submitter. Criteria: Invitae Variant Classification Sherloc (09022015). Collection method: clinical testing. Allele origin: germline.

Myriad Genetics, Inc.
Classification: Benign for Familial cancer of breast. Last evaluated: 2024-08-29. Review status: criteria provided, single submitter. Criteria: Myriad Autosomal Dominant, Autosomal Recessive and X-Linked Classification Criteria (2023). Collection method: clinical testing. Allele origin: unknown.
Comment: This variant is considered benign. This variant is a silent/synonymous amino acid change and it is not expected to impact splicing.

Ambry Genetics
Classification: Likely benign for Hereditary cancer-predisposing syndrome. Last evaluated: 2021-10-07. Review status: criteria provided, single submitter. Criteria: Ambry Variant Classification Scheme 2023. Collection method: clinical testing. Allele origin: germline.

NM_032043.3(BRIP1):c.1791T>G (p.Ala597=)

Gene: BRIP1 (BRCA1 interacting DNA helicase 1; minus strand). Cytogenetic location: 17q23.2.
Variant type: single nucleotide variant.
Coding change: c.1791T>G on transcript NM_032043.3 (MANE Select); coding-DNA position 1791, T replaced by G.
Protein change: p.Ala597=; no amino-acid change (alanine 597 retained).
Molecular consequence: synonymous variant.
Genome position (GRCh38, 1-based): chr17:61,780,843, A>C on the plus strand (T>G on the coding strand, the complement: BRIP1 is on the minus strand). VCF-style: chr17-61780843-A-C. GRCh37 (hg19) VCF-style: chr17-59858204-A-C.
Identifiers: ClinVar variation 414663 (VCV000414663.14), dbSNP rs1060504323, ClinGen allele CA16615512.